The following is an entry in ClinVar:

ClinVar aggregate classification (germline): Pathogenic. Review status: criteria provided, single submitter (1 of 4 stars). 2 submissions from 2 submitters: Pathogenic (1). 1 of the submissions does not count toward it. Last evaluated 2025-06-09.

Conditions:
von Willebrand disorder (VWD). Also called: Von Willebrand disease (hereditary or acquired); von Willebrand Diseases; von Willebrand's disease. Identifiers: MedGen C0042974, MeSH D014842, MONDO:0024574.

Allele frequency attached by ClinVar (database versions not stated): gnomAD exomes 0.00001.
gnomAD v4.1: 7 of 1,613,324 alleles (0.00043%); highest among the groups gnomAD compares: African/African-American, 0.0013%; no homozygotes.

Submissions (2):

Women's Health and Genetics/Laboratory Corporation of America, LabCorp
Classification: Pathogenic for von Willebrand disorder. Last evaluated: 2025-06-09. Review status: criteria provided, single submitter. Criteria: LabCorp Variant Classification Summary - May 2015. Collection method: clinical testing. Allele origin: germline.
Comment: Variant summary: VWF c.4696C>T (p.Arg1566X) results in a premature termination codon, predicted to cause a truncation of the encoded protein or absence of the protein due to nonsense mediated decay, which are commonly known mechanisms for disease. The variant allele was found at a frequency of 8e-06 in 250680 control chromosomes. c.4696C>T has been observed in individuals affected with Von Willebrand Disease (e.g. Wang_2019, Baz_2021). These data indicate that the variant is likely to be associated with disease. To our knowledge, no experimental evidence demonstrating an impact on protein function has been reported. The following publications have been ascertained in the context of this evaluation (PMID: 34272389, 31793247). ClinVar contains an entry for this variant (Variation ID: 100382). Based on the evidence outlined above, the variant was classified as pathogenic.

Academic Unit of Haematology, University of Sheffield
No classification provided. Review status: no classification provided. Collection method: not provided. Allele origin: not provided. Not counted in ClinVar's aggregate classification.

Literature cited by the submitters: PubMed 34272389 (cited by Women's Health and Genetics/Laboratory Corporation of America, LabCorp); PubMed 31793247 (cited by Women's Health and Genetics/Laboratory Corporation of America, LabCorp).

NM_000552.5(VWF):c.4696C>T (p.Arg1566Ter)

Gene: VWF (von Willebrand factor; minus strand). Cytogenetic location: 12p13.31.
Variant type: single nucleotide variant.
Coding change: c.4696C>T on transcript NM_000552.5 (MANE Select); coding-DNA position 4696, C replaced by T.
Protein change: p.Arg1566Ter; replaces arginine 1566 with a stop codon.
Molecular consequence: nonsense.
Genome position (GRCh38, 1-based): chr12:6,018,722, G>A on the plus strand (C>T on the coding strand, the complement: VWF is on the minus strand). VCF-style: chr12-6018722-G-A. GRCh37 (hg19) VCF-style: chr12-6127888-G-A.
Other names: short protein forms R1566*.
Identifiers: ClinVar variation 100382 (VCV000100382.13), dbSNP rs61750112, ClinGen allele CA228639.
Genomic context (GRCh38, chr12:6,018,722, plus strand): 5'-AGAGGTACCGCAGGGCCAGCCCAGTGTTGGTCCTGTTGCCGCCCTGGTAGCGGATCTCTC[G>A]CACCCGCTGCAGGATGTCCCCTTTGGACTGTGCCTCGCTGAAGGGGTACTCCACAGTCAC-3'